The following is an entry in ClinVar:

ClinVar aggregate classification (germline): Uncertain significance. Review status: criteria provided, multiple submitters, no conflicts (2 of 4 stars). 2 submissions from 2 submitters: Uncertain significance (2). Last evaluated 2025-06-25.

Conditions:
Hereditary cancer-predisposing syndrome. Also called: Neoplastic Syndromes, Hereditary; Hereditary Cancer Syndrome; Hereditary neoplastic syndrome; Tumor predisposition. Identifiers: Orphanet 140162, MedGen C0027672, MeSH D009386, MONDO:0015356.
Fanconi anemia complementation group O. Also called: RAD51C-Related Fanconi Anemia. Identifiers: Orphanet 84, MedGen C3150653, MONDO:0013248, OMIM 613390.

Submissions (2):

Labcorp Genetics (formerly Invitae), Labcorp
Classification: Uncertain significance for Fanconi anemia complementation group O. Last evaluated: 2025-06-25. Review status: criteria provided, single submitter. Criteria: Invitae Variant Classification Sherloc (09022015). Collection method: clinical testing. Allele origin: germline.
Comment: This sequence change replaces methionine, which is neutral and non-polar, with threonine, which is neutral and polar, at codon 165 of the RAD51C protein (p.Met165Thr). This variant is not present in population databases (gnomAD no frequency). This variant has not been reported in the literature in individuals affected with RAD51C-related conditions. ClinVar contains an entry for this variant (Variation ID: 825317). Invitae Evidence Modeling of protein sequence and biophysical properties (such as structural, functional, and spatial information, amino acid conservation, physicochemical variation, residue mobility, and thermodynamic stability) indicates that this missense variant is not expected to disrupt RAD51C protein function with a negative predictive value of 80%. In summary, the available evidence is currently insufficient to determine the role of this variant in disease. Therefore, it has been classified as a Variant of Uncertain Significance.

Ambry Genetics
Classification: Uncertain significance for Hereditary cancer-predisposing syndrome. Last evaluated: 2018-03-29. Review status: criteria provided, single submitter. Criteria: Ambry Variant Classification Scheme 2023. Collection method: clinical testing. Allele origin: germline.
Comment: The p.M165T variant (also known as c.494T>C), located in coding exon 3 of the RAD51C gene, results from a T to C substitution at nucleotide position 494. The methionine at codon 165 is replaced by threonine, an amino acid with similar properties. This amino acid position is well conserved in available vertebrate species. In addition, this alteration is predicted to be tolerated by in silico analysis. Since supporting evidence is limited at this time, the clinical significance of this alteration remains unclear.

NM_058216.3(RAD51C):c.494T>C (p.Met165Thr)

Gene: RAD51C (RAD51 paralog C; plus strand). Cytogenetic location: 17q22.
Variant type: single nucleotide variant.
Coding change: c.494T>C on transcript NM_058216.3 (MANE Select); coding-DNA position 494, T replaced by C.
Protein change: p.Met165Thr; replaces methionine 165 with threonine.
Molecular consequence: missense variant.
Genome position (GRCh38, 1-based): chr17:58,696,782, T>C. VCF-style: chr17-58696782-T-C. GRCh37 (hg19) VCF-style: chr17-56774143-T-C.
Other names: short protein forms M165T.
Identifiers: ClinVar variation 825317 (VCV000825317.13), dbSNP rs1598460523, ClinGen allele CA400344861.
Genomic context (GRCh38, chr17:58,696,782, plus strand): 5'-CAGAATGTTTTGGAGGAGTGGCAGGTGAAGCAGTTTTTATTGATACAGAGGGAAGTTTTA[T>C]GGTTGATAGAGTGGTAGACCTTGCTACTGCCTGCATTCAGCACCTTCAGCTTATAGCAGA-3'
Protein context (NP_478123.1, residues 155-175): AVFIDTEGSF[Met165Thr]VDRVVDLATA